The following is an entry in ClinVar:

ClinVar aggregate classification (germline): Uncertain significance (1 of 4 stars; one submission).

gnomAD v4.1: 1 of 1,613,380 alleles (0.000062%); highest among the groups gnomAD compares: Non-Finnish European, 0.000085%; no homozygotes.

Submission:

Ambry Genetics
Classification: Uncertain significance. Last evaluated: 2026-08-11. Review status: criteria provided, single submitter. Criteria: Ambry Variant Classification Scheme 2023. Collection method: clinical testing. Allele origin: germline.
Comment: The p.Q424R variant (also known as c.1271A>G), located in coding exon 8 of the ATRIP gene, results from an A to G substitution at nucleotide position 1271. The glutamine at codon 424 is replaced by arginine, an amino acid with highly similar properties. This amino acid position is conserved. In addition, this alteration is predicted to be tolerated by in silico analysis. Based on the available evidence, the clinical significance of this variant remains unclear.

NM_130384.3(ATRIP):c.1271A>G (p.Gln424Arg)

Genes: ATRIP (ATR interacting protein; plus strand), ATRIP-TREX1 (ATRIP-TREX1 readthrough; plus strand). Cytogenetic location: 3p21.31.
Variant type: single nucleotide variant.
Coding change: c.1271A>G on transcript NM_130384.3 (MANE Select); coding-DNA position 1271, A replaced by G.
Protein change: p.Gln424Arg; replaces glutamine 424 with arginine.
Molecular consequence: missense variant. On other transcripts: non-coding transcript variant (1).
Genome position (GRCh38, 1-based): chr3:48,460,325, A>G. VCF-style: chr3-48460325-A-G. GRCh37 (hg19) VCF-style: chr3-48501724-A-G.
Other names: c.890A>G, p.Gln297Arg (NM_001271022.2); c.992A>G, p.Gln331Arg (NM_001271023.2); c.1271A>G, p.Gln424Arg (NM_032166.4); short protein forms Q331R, Q424R, Q297R.
Identifiers: ClinVar variation 5032456 (VCV005032456.1).